The following is an entry in ClinVar:

NM_001005242.3(PKP2):c.980G>T (p.Gly327Val)

Gene: PKP2 (plakophilin 2; minus strand). Cytogenetic location: 12p11.21.
Variant type: single nucleotide variant.
Coding change: c.980G>T on transcript NM_001005242.3 (MANE Select); coding-DNA position 980, G replaced by T.
Protein change: p.Gly327Val; replaces glycine 327 with valine.
Molecular consequence: missense variant.
Genome position (GRCh38, 1-based): chr12:32,877,900, C>A on the plus strand (G>T on the coding strand, the complement: PKP2 is on the minus strand). VCF-style: chr12-32877900-C-A. GRCh37 (hg19) VCF-style: chr12-33030834-C-A.
Other names: c.980G>T, p.Gly327Val (NM_004572.4); short protein forms G327V.
Identifiers: ClinVar variation 222764 (VCV000222764.21), dbSNP rs759660796, ClinGen allele CA039845.

ClinVar aggregate classification (germline): Conflicting classifications of pathogenicity. Review status: criteria provided, conflicting classifications (1 of 4 stars). 8 submissions from 8 submitters: Uncertain significance (6); Likely benign (2). Last evaluated 2026-01-20.

Conditions:
Arrhythmogenic right ventricular cardiomyopathy (ARVD). Also called: Arrhythmogenic cardiomyopathy; Arrhythmogenic Right Ventricular Cardiomyopathy (ARVC); Arrhythmogenic right ventricular dysplasia; Cardiomyopathy, ARVC. Identifiers: Orphanet 247, MedGen C0349788, MeSH D019571, MONDO:0016587. Disease mechanism: loss of function. Inheritance: Various modes of inheritance.
Arrhythmogenic right ventricular dysplasia 9 (ARVD9). Also called: Arrhythmogenic Right Ventricular Dysplasia/Cardiomyopathy 9; ARRHYTHMOGENIC RIGHT VENTRICULAR DYSPLASIA, FAMILIAL, 9. Identifiers: MedGen C1836906, MONDO:0012180, OMIM 609040.
Cardiovascular phenotype. Identifiers: MedGen CN230736.
Cardiomyopathy (CMYO). Also called: Cardiomyopathies. Identifiers: Orphanet 167848, MedGen C0878544, MONDO:0004994, HP:0001638. Inheritance: Various modes of inheritance.

Allele frequency attached by ClinVar (database versions not stated): TOPMed 0.00006.
gnomAD v4.1: 111 of 1,614,048 alleles (0.0069%); highest among the groups gnomAD compares: Non-Finnish European, 0.0088%; no homozygotes.

Submissions (8):

Labcorp Genetics (formerly Invitae), Labcorp
Classification: Uncertain significance for Arrhythmogenic right ventricular dysplasia 9. Last evaluated: 2026-01-20. Review status: criteria provided, single submitter. Criteria: Invitae Variant Classification Sherloc (09022015). Collection method: clinical testing. Allele origin: germline.
Comment: This sequence change replaces glycine, which is neutral and non-polar, with valine, which is neutral and non-polar, at codon 327 of the PKP2 protein (p.Gly327Val). This variant is present in population databases (rs759660796, gnomAD 0.007%). This missense change has been observed in individual(s) with PKP2-related conditions (PMID: 29247119). ClinVar contains an entry for this variant (Variation ID: 222764). An algorithm developed to predict the effect of missense changes on protein structure and function outputs the following: PolyPhen-2: "Benign". The valine amino acid residue is found in multiple mammalian species, which suggests that this missense change does not adversely affect protein function. In summary, the available evidence is currently insufficient to determine the role of this variant in disease. Therefore, it has been classified as a Variant of Uncertain Significance.

Women's Health and Genetics/Laboratory Corporation of America, LabCorp
Classification: Uncertain significance. Last evaluated: 2025-10-24. Review status: criteria provided, single submitter. Criteria: LabCorp Variant Classification Summary - May 2015. Collection method: clinical testing. Allele origin: germline.
Comment: Variant summary: PKP2 c.980G>T (p.Gly327Val) results in a non-conservative amino acid change in the encoded protein sequence. Algorithms developed to predict the effect of missense changes on protein structure and function are either unavailable or do not agree on the potential impact of this missense change. The variant allele was found at a frequency of 2.4e-05 in 249940 control chromosomes (gnomAD). The available data on variant occurrences in the general population are insufficient to allow any conclusion about variant significance. c.980G>T has been observed in individuals affected with cardiomyopathy or sudden cardiac death (e.g., Lin_2017, Stava_2022). These reports do not provide unequivocal conclusions about association of the variant with Arrhythmogenic Right Ventricular Dysplasia/Cardiomyopathy. To our knowledge, no experimental evidence demonstrating an impact on protein function has been reported. The following publications have been ascertained in the context of this evaluation (PMID: 29247119, 29247119). ClinVar contains an entry for this variant (Variation ID: 222764). Based on the evidence outlined above, the variant was classified as uncertain significance.

Color Diagnostics, LLC DBA Color Health
Classification: Likely benign for Cardiomyopathy. Last evaluated: 2024-12-10. Review status: criteria provided, single submitter. Criteria: ACMG Guidelines, 2015. Collection method: clinical testing. Allele origin: germline.

GeneDx
Classification: Uncertain significance. Last evaluated: 2024-12-05. Review status: criteria provided, single submitter. Criteria: GeneDx Variant Classification Process June 2021. Collection method: clinical testing. Allele origin: germline. Affected: yes.
Comment: Identified in association with sudden unexplained death (SUD) and cardiomyopathy in published literature (PMID: 29247119, 35653365); In silico analysis indicates that this missense variant does not alter protein structure/function; This variant is associated with the following publications: (PMID: 29247119, 35653365)

All of Us Research Program, National Institutes of Health
Classification: Uncertain significance for Arrhythmogenic right ventricular cardiomyopathy. Last evaluated: 2024-08-06. Review status: criteria provided, single submitter. Criteria: ACMG Guidelines, 2015. Collection method: clinical testing. Allele origin: germline. Inheritance: Autosomal dominant inheritance. Observed: 14 variant alleles, 14 heterozygotes.
Comment: This missense variant replaces glycine with valine at codon 327 of the PKP2 protein. Computational prediction suggests that this variant may not impact protein structure and function (internally defined REVEL score threshold <= 0.5, PMID: 27666373). To our knowledge, functional studies have not been reported for this variant. This variant has not been reported in individuals affected with cardiovascular disorders in the literature. This variant has been identified in 6/249940 chromosomes in the general population by the Genome Aggregation Database (gnomAD). The available evidence is insufficient to determine the role of this variant in disease conclusively. Therefore, this variant is classified as a Variant of Uncertain Significance.

This study involves interpretation of variants in research participants for the purpose of population health screening. Participant phenotype was not available at the time of variant classification. Additional details can be found in publication PMID: 35346344, PMCID: PMC8962531

Fulgent Genetics
Classification: Uncertain significance for Arrhythmogenic right ventricular dysplasia 9. Last evaluated: 2024-05-29. Review status: criteria provided, single submitter. Criteria: ACMG Guidelines, 2015. Collection method: clinical testing. Allele origin: germline.

Ambry Genetics
Classification: Likely benign for Cardiovascular phenotype. Last evaluated: 2023-11-29. Review status: criteria provided, single submitter. Criteria: Ambry Variant Classification Scheme 2023. Collection method: clinical testing. Allele origin: germline.

Blueprint Genetics
Classification: Uncertain significance. Last evaluated: 2020-06-05. Review status: criteria provided, single submitter. Criteria: ACMG Guidelines, 2015. Collection method: clinical testing. Allele origin: germline.

Literature cited by the submitters: PubMed 29247119 (cited by Labcorp Genetics (formerly Invitae), Labcorp and Women's Health and Genetics/Laboratory Corporation of America, LabCorp).